The following is an entry in ClinVar:

NM_004863.4(SPTLC2):c.1172A>G (p.Lys391Arg)

Gene: SPTLC2 (serine palmitoyltransferase long chain base subunit 2; minus strand). Cytogenetic location: 14q24.3.
Variant type: single nucleotide variant.
Coding change: c.1172A>G on transcript NM_004863.4 (MANE Select); coding-DNA position 1172, A replaced by G.
Protein change: p.Lys391Arg; replaces lysine 391 with arginine.
Molecular consequence: missense variant.
Genome position (GRCh38, 1-based): chr14:77,555,304, T>C on the plus strand (A>G on the coding strand, the complement: SPTLC2 is on the minus strand). VCF-style: chr14-77555304-T-C. GRCh37 (hg19) VCF-style: chr14-78021647-T-C.
Other names: p.Lys391Arg; short protein forms K391R.
Identifiers: ClinVar variation 478621 (VCV000478621.16), dbSNP rs114940503, ClinGen allele CA7289262.

ClinVar aggregate classification (germline): Conflicting classifications of pathogenicity. Review status: criteria provided, conflicting classifications (1 of 4 stars). 4 submissions from 4 submitters: Uncertain significance (1); Likely benign (3). Last evaluated 2026-01-13.

Conditions:
Inborn genetic diseases. Identifiers: MedGen C0950123, MeSH D030342.
SPTLC2-related disorder. Also called: SPTLC2-related condition.
Neuropathy, hereditary sensory and autonomic, type 1C. Also called: HSAN IC; HSN IC. Identifiers: Orphanet 36386, MedGen C3150896, MONDO:0013337, OMIM 613640.

Allele frequency attached by ClinVar (database versions not stated): gnomAD exomes 0.00002 and 0.00010; ExAC 0.00009; gnomAD 0.00022 and 0.00023; TOPMed 0.00032; ESP Exome Variant Server 0.00046; 1000 Genomes Project 30x 0.00078; 1000 Genomes Project 0.00080.
gnomAD v4.1: 77 of 1,614,156 alleles (0.0048%); highest among the groups gnomAD compares: African/African-American, 0.072%; no homozygotes.

Submissions (4):

Labcorp Genetics (formerly Invitae), Labcorp
Classification: Likely benign for Neuropathy, hereditary sensory and autonomic, type 1C. Last evaluated: 2026-01-13. Review status: criteria provided, single submitter. Criteria: Invitae Variant Classification Sherloc (09022015). Collection method: clinical testing. Allele origin: germline.

Mayo Clinic Laboratories, Mayo Clinic
Classification: Uncertain significance. Last evaluated: 2025-08-13. Review status: criteria provided, single submitter. Criteria: ACMG Guidelines, 2015. Collection method: clinical testing. Allele origin: germline. Observed: 1 variant allele.
Comment: BS2

PreventionGenetics, part of Exact Sciences
Classification: Likely benign for SPTLC2-related condition. Last evaluated: 2025-03-20. Review status: criteria provided, single submitter. Criteria: ACMG Guidelines, 2015. Collection method: clinical testing. Allele origin: germline.
Comment: This variant is classified as likely benign based on ACMG/AMP sequence variant interpretation guidelines (Richards et al. 2015 PMID: 25741868, with internal and published modifications).

Ambry Genetics
Classification: Likely benign for Inborn genetic diseases. Last evaluated: 2019-11-08. Review status: criteria provided, single submitter. Criteria: Ambry Variant Classification Scheme 2023. Collection method: clinical testing. Allele origin: germline.